The following is an entry in ClinVar:

NM_130384.3(ATRIP):c.2125A>G (p.Arg709Gly)

Genes: ATRIP (ATR interacting protein; plus strand), ATRIP-TREX1 (ATRIP-TREX1 readthrough; plus strand). Cytogenetic location: 3p21.31.
Variant type: single nucleotide variant.
Coding change: c.2125A>G on transcript NM_130384.3 (MANE Select); coding-DNA position 2125, A replaced by G.
Protein change: p.Arg709Gly; replaces arginine 709 with glycine.
Molecular consequence: missense variant. On other transcripts: non-coding transcript variant (1).
Genome position (GRCh38, 1-based): chr3:48,464,900, A>G. VCF-style: chr3-48464900-A-G. GRCh37 (hg19) VCF-style: chr3-48506299-A-G.
Other names: c.1744A>G, p.Arg582Gly (NM_001271022.2); c.1846A>G, p.Arg616Gly (NM_001271023.2); c.2044A>G, p.Arg682Gly (NM_032166.4); short protein forms R582G, R616G, R682G, R709G.
Identifiers: ClinVar variation 3463863 (VCV003463863.1).

ClinVar aggregate classification (germline): Uncertain significance (1 of 4 stars; one submission).

gnomAD v4.1: 2 of 1,614,078 alleles (0.00012%); no homozygotes.

Submission:

Ambry Genetics
Classification: Uncertain significance. Last evaluated: 2024-11-17. Review status: criteria provided, single submitter. Criteria: Ambry Variant Classification Scheme 2023. Collection method: clinical testing. Allele origin: germline.
Comment: The p.R709G variant (also known as c.2125A>G), located in coding exon 12 of the ATRIP gene, results from an A to G substitution at nucleotide position 2125. The arginine at codon 709 is replaced by glycine, an amino acid with dissimilar properties. This amino acid position is conserved. In addition, this alteration is predicted to be tolerated by in silico analysis. Based on the available evidence, the clinical significance of this variant remains unclear.